The following is an entry in ClinVar:

ClinVar aggregate classification (germline): Uncertain significance. Review status: criteria provided, multiple submitters, no conflicts (2 of 4 stars). 2 submissions from 2 submitters: Uncertain significance (2). Last evaluated 2025-07-04.

Conditions:
Tumor predisposition syndrome 3 (TPDS3). Also called: Melanoma, cutaneous malignant, susceptibility to, 10; Glioma susceptibility 9; LONG TELOMERE SYNDROME, POT1-RELATED; POT1 Tumor Predisposition. Identifiers: Orphanet 618, MedGen C4014476, MONDO:0014368, OMIM 615848.
Hereditary cancer-predisposing syndrome. Also called: Tumor predisposition; Hereditary Cancer Syndrome; Neoplastic Syndromes, Hereditary; Hereditary neoplastic syndrome. Identifiers: Orphanet 140162, MedGen C0027672, MeSH D009386, MONDO:0015356.

Allele frequency attached by ClinVar (database versions not stated): gnomAD exomes 0.00001; ExAC 0.00002.
gnomAD v4.1: 5 of 1,610,026 alleles (0.00031%); highest among the groups gnomAD compares: South Asian, 0.0033%; no homozygotes.

Submissions (2):

Labcorp Genetics (formerly Invitae), Labcorp
Classification: Uncertain significance for Tumor predisposition syndrome 3. Last evaluated: 2025-07-04. Review status: criteria provided, single submitter. Criteria: Invitae Variant Classification Sherloc (09022015). Collection method: clinical testing. Allele origin: germline.
Comment: This sequence change replaces methionine, which is neutral and non-polar, with valine, which is neutral and non-polar, at codon 587 of the POT1 protein (p.Met587Val). This variant is present in population databases (rs757479590, gnomAD 0.007%). This variant has not been reported in the literature in individuals affected with POT1-related conditions. ClinVar contains an entry for this variant (Variation ID: 969768). Invitae Evidence Modeling of protein sequence and biophysical properties (such as structural, functional, and spatial information, amino acid conservation, physicochemical variation, residue mobility, and thermodynamic stability) indicates that this missense variant is not expected to disrupt POT1 protein function with a negative predictive value of 80%. In summary, the available evidence is currently insufficient to determine the role of this variant in disease. Therefore, it has been classified as a Variant of Uncertain Significance.

Ambry Genetics
Classification: Uncertain significance for Hereditary cancer-predisposing syndrome. Last evaluated: 2025-07-02. Review status: criteria provided, single submitter. Criteria: Ambry Variant Classification Scheme 2023. Collection method: clinical testing. Allele origin: germline.
Comment: The p.M587V variant (also known as c.1759A>G), located in coding exon 14 of the POT1 gene, results from an A to G substitution at nucleotide position 1759. The methionine at codon 587 is replaced by valine, an amino acid with highly similar properties. This amino acid position is highly conserved in available vertebrate species. In addition, this alteration is predicted to be tolerated by in silico analysis. Since supporting evidence is limited at this time, the clinical significance of this alteration remains unclear.

NM_015450.3(POT1):c.1759A>G (p.Met587Val)

Gene: POT1 (protection of telomeres 1; minus strand). Cytogenetic location: 7q31.33.
Variant type: single nucleotide variant.
Coding change: c.1759A>G on transcript NM_015450.3 (MANE Select); coding-DNA position 1759, A replaced by G.
Protein change: p.Met587Val; replaces methionine 587 with valine.
Molecular consequence: missense variant. On other transcripts: non-coding transcript variant (3).
Genome position (GRCh38, 1-based): chr7:124,825,285, T>C on the plus strand (A>G on the coding strand, the complement: POT1 is on the minus strand). VCF-style: chr7-124825285-T-C. GRCh37 (hg19) VCF-style: chr7-124465339-T-C.
Other names: c.1366A>G, p.Met456Val (NM_001042594.2); short protein forms M456V, M587V.
Identifiers: ClinVar variation 969768 (VCV000969768.13), dbSNP rs757479590, ClinGen allele CA4464992.